The following is an entry in ClinVar:

ClinVar aggregate classification (germline): Uncertain significance (1 of 4 stars; one submission).

Allele frequency attached by ClinVar (database versions not stated): TOPMed 0.00001; gnomAD 0.00003; ESP Exome Variant Server 0.00008.
gnomAD v4.1: 57 of 1,613,190 alleles (0.0035%); highest among the groups gnomAD compares: African/African-American, 0.037%; 1 homozygote.

Submission:

Labcorp Genetics (formerly Invitae), Labcorp
Classification: Uncertain significance. Last evaluated: 2022-08-05. Review status: criteria provided, single submitter. Criteria: Invitae Variant Classification Sherloc (09022015). Collection method: clinical testing. Allele origin: germline.
Comment: This sequence change falls in intron 3 of the PUS1 gene. It does not directly change the encoded amino acid sequence of the PUS1 protein. It affects a nucleotide within the consensus splice site. This variant is present in population databases (rs112532816, gnomAD 0.01%). This variant has not been reported in the literature in individuals affected with PUS1-related conditions. Variants that disrupt the consensus splice site are a relatively common cause of aberrant splicing (PMID: 17576681, 9536098). Algorithms developed to predict the effect of sequence changes on RNA splicing suggest that this variant may disrupt the consensus splice site. In summary, the available evidence is currently insufficient to determine the role of this variant in disease. Therefore, it has been classified as a Variant of Uncertain Significance.

Literature cited by the submitters: PubMed 17576681; PubMed 9536098.

NM_025215.6(PUS1):c.441+3G>A

Genes: PUS1 (pseudouridine synthase 1; plus strand), LOC132090059 (Neanderthal introgressed variant-containing enhancer experimental_25941; plus strand). Cytogenetic location: 12q24.33.
Variant type: single nucleotide variant.
Coding change: c.441+3G>A on transcript NM_025215.6 (MANE Select); 3 bases into the intron after coding-DNA position 441, G replaced by A.
Molecular consequence: intron variant.
Genome position (GRCh38, 1-based): chr12:131,932,315, G>A. VCF-style: chr12-131932315-G-A. GRCh37 (hg19) VCF-style: chr12-132416860-G-A.
Other names: c.357+3G>A (NM_001002019.3, NM_001002020.3).
Identifiers: ClinVar variation 2137410 (VCV002137410.1), dbSNP rs112532816, ClinGen allele CA246183442.